The following is an entry in ClinVar:

ClinVar aggregate classification (germline): Uncertain significance (1 of 4 stars; one submission).

Conditions:
Pyogenic arthritis-pyoderma gangrenosum-acne syndrome (PAPA). Also called: PAPA SYNDROME; FAMILIAL RECURRENT ARTHRITIS. Identifiers: Orphanet 69126, MedGen C1858361, MONDO:0011462, OMIM 604416.

gnomAD v4.1: 19 of 1,584,692 alleles (0.0012%); highest among the groups gnomAD compares: Admixed American, 0.0072%; no homozygotes.

Submission:

Labcorp Genetics (formerly Invitae), Labcorp
Classification: Uncertain significance for Pyogenic arthritis-pyoderma gangrenosum-acne syndrome. Last evaluated: 2024-04-29. Review status: criteria provided, single submitter. Criteria: Invitae Variant Classification Sherloc (09022015). Collection method: clinical testing. Allele origin: germline.
Comment: This sequence change replaces glycine, which is neutral and non-polar, with arginine, which is basic and polar, at codon 54 of the PSTPIP1 protein (p.Gly54Arg). The frequency data for this variant in the population databases is considered unreliable, as metrics indicate poor data quality at this position in the gnomAD database. This variant has not been reported in the literature in individuals affected with PSTPIP1-related conditions. Advanced modeling of protein sequence and biophysical properties (such as structural, functional, and spatial information, amino acid conservation, physicochemical variation, residue mobility, and thermodynamic stability) performed at Invitae indicates that this missense variant is expected to disrupt PSTPIP1 protein function with a positive predictive value of 80%. In summary, the available evidence is currently insufficient to determine the role of this variant in disease. Therefore, it has been classified as a Variant of Uncertain Significance.

NM_003978.5(PSTPIP1):c.160G>A (p.Gly54Arg)

Gene: PSTPIP1 (proline-serine-threonine phosphatase interacting protein 1; plus strand). Cytogenetic location: 15q24.3.
Variant type: single nucleotide variant.
Coding change: c.160G>A on transcript NM_003978.5 (MANE Select); coding-DNA position 160, G replaced by A.
Protein change: p.Gly54Arg; replaces glycine 54 with arginine.
Molecular consequence: missense variant. On other transcripts: non-coding transcript variant (1).
Genome position (GRCh38, 1-based): chr15:77,018,479, G>A. VCF-style: chr15-77018479-G-A. GRCh37 (hg19) VCF-style: chr15-77310820-G-A.
Other names: c.160G>A, p.Gly54Arg (NM_001321135.2, NM_001411086.1); c.133G>A, p.Gly45Arg (NM_001321136.2); c.355G>A, p.Gly119Arg (NM_001321137.1); short protein forms G119R, G45R, G54R.
Identifiers: ClinVar variation 3656490 (VCV003656490.2).